The following is an entry in ClinVar:

NM_003482.4(KMT2D):c.9566G>T (p.Gly3189Val)

Gene: KMT2D (lysine methyltransferase 2D; minus strand). Cytogenetic location: 12q13.12.
Variant type: single nucleotide variant.
Coding change: c.9566G>T on transcript NM_003482.4 (MANE Select); coding-DNA position 9566, G replaced by T.
Protein change: p.Gly3189Val; replaces glycine 3189 with valine.
Molecular consequence: missense variant.
Genome position (GRCh38, 1-based): chr12:49,037,790, C>A on the plus strand (G>T on the coding strand, the complement: KMT2D is on the minus strand). VCF-style: chr12-49037790-C-A. GRCh37 (hg19) VCF-style: chr12-49431573-C-A.
Other names: short protein forms G3189V.
Identifiers: ClinVar variation 2642948 (VCV002642948.27), dbSNP rs919478619, ClinGen allele CA236644434.

ClinVar aggregate classification (germline): Conflicting classifications of pathogenicity. Review status: criteria provided, conflicting classifications (1 of 4 stars). 2 submissions from 2 submitters: Uncertain significance (1); Benign (1). Last evaluated 2024-10-10.

Conditions:
Kabuki syndrome. Also called: NIIKAWA-KUROKI SYNDROME; Kabuki make-up syndrome. Identifiers: Orphanet 2322, MedGen C0796004, MONDO:0016512.

gnomAD v4.1: 7 of 1,596,214 alleles (0.00044%); highest among the groups gnomAD compares: Admixed American, 0.0035%; no homozygotes.

Submissions (2):

Labcorp Genetics (formerly Invitae), Labcorp
Classification: Benign for Kabuki syndrome. Last evaluated: 2024-10-10. Review status: criteria provided, single submitter. Criteria: Invitae Variant Classification Sherloc (09022015). Collection method: clinical testing. Allele origin: germline.

CeGaT Center for Human Genetics Tuebingen
Classification: Uncertain significance. Last evaluated: 2023-05-01. Review status: criteria provided, single submitter. Criteria: CeGaT Center For Human Genetics Tuebingen Variant Classification Criteria Version 2. Collection method: clinical testing. Allele origin: germline. Affected: yes. Observed: 1 variant allele.
Comment: KMT2D: PP2